The following is an entry in ClinVar:

NM_033004.4(NLRP1):c.900G>C (p.Trp300Cys)

Gene: NLRP1 (NLR family pyrin domain containing 1; minus strand). Cytogenetic location: 17p13.2.
Variant type: single nucleotide variant.
Coding change: c.900G>C on transcript NM_033004.4 (MANE Select); coding-DNA position 900, G replaced by C.
Protein change: p.Trp300Cys; replaces tryptophan 300 with cysteine.
Molecular consequence: missense variant.
Genome position (GRCh38, 1-based): chr17:5,559,796, C>G on the plus strand (G>C on the coding strand, the complement: NLRP1 is on the minus strand). VCF-style: chr17-5559796-C-G. GRCh37 (hg19) VCF-style: chr17-5463116-C-G.
Other names: c.900G>C (NM_033004.3); c.900G>C, p.Trp300Cys (NM_001033053.3, NM_014922.5, NM_033006.4 and 1 more transcripts); short protein forms W300C.
Identifiers: ClinVar variation 2899421 (VCV002899421.4), dbSNP rs199601420, ClinGen allele CA8327465.

ClinVar aggregate classification (germline): Uncertain significance. Review status: criteria provided, multiple submitters, no conflicts (2 of 4 stars). 2 submissions from 2 submitters: Uncertain significance (2). Last evaluated 2024-09-08.

Conditions:
Inborn genetic diseases. Identifiers: MedGen C0950123, MeSH D030342.

Allele frequency attached by ClinVar (database versions not stated): 1000 Genomes Project 30x 0.00016; 1000 Genomes Project 0.00020.
gnomAD v4.1: 64 of 1,614,244 alleles (0.004%); highest among the groups gnomAD compares: Non-Finnish European, 0.0052%; no homozygotes.

Submissions (2):

Ambry Genetics
Classification: Uncertain significance for Inborn genetic diseases. Last evaluated: 2024-09-08. Review status: criteria provided, single submitter. Criteria: Ambry Variant Classification Scheme 2023. Collection method: clinical testing. Allele origin: germline.

Labcorp Genetics (formerly Invitae), Labcorp
Classification: Uncertain significance. Last evaluated: 2024-03-16. Review status: criteria provided, single submitter. Criteria: Invitae Variant Classification Sherloc (09022015). Collection method: clinical testing. Allele origin: germline.
Comment: This sequence change replaces tryptophan, which is neutral and slightly polar, with cysteine, which is neutral and slightly polar, at codon 300 of the NLRP1 protein (p.Trp300Cys). This variant is present in population databases (rs199601420, gnomAD 0.004%). This variant has not been reported in the literature in individuals affected with NLRP1-related conditions. Algorithms developed to predict the effect of missense changes on protein structure and function output the following: SIFT: "Not Available"; PolyPhen-2: "Benign"; Align-GVGD: "Not Available". The cysteine amino acid residue is found in multiple mammalian species, which suggests that this missense change does not adversely affect protein function. In summary, the available evidence is currently insufficient to determine the role of this variant in disease. Therefore, it has been classified as a Variant of Uncertain Significance.